The following is an entry in ClinVar:

NM_000257.4(MYH7):c.4354-5G>A

Genes: MHRT (myosin heavy chain associated RNA transcript; plus strand), MYH7 (myosin heavy chain 7; minus strand). Cytogenetic location: 14q11.2.
Variant type: single nucleotide variant.
Coding change: c.4354-5G>A on transcript NM_000257.4 (MANE Select); 5 bases into the intron before coding-DNA position 4354, G replaced by A.
Molecular consequence: intron variant. On other transcripts: non-coding transcript variant (1).
Genome position (GRCh38, 1-based): chr14:23,417,323, C>T on the plus strand (G>A on the coding strand, the complement: MYH7 is on the minus strand). VCF-style: chr14-23417323-C-T. GRCh37 (hg19) VCF-style: chr14-23886532-C-T.
Identifiers: ClinVar variation 918875 (VCV000918875.3), dbSNP rs950409210, ClinGen allele CA257811910.

ClinVar aggregate classification (germline): Uncertain significance (1 of 4 stars; one submission).

Conditions:
Cardiomyopathy (CMYO). Also called: Cardiomyopathies. Identifiers: Orphanet 167848, MedGen C0878544, MONDO:0004994, HP:0001638. Inheritance: Various modes of inheritance.

Allele frequency attached by ClinVar (database versions not stated): gnomAD 0.00001; TOPMed 0.00001.
gnomAD v4.1: 1 of 1,613,484 alleles (0.000062%); highest among the groups gnomAD compares: African/African-American, 0.0013%; no homozygotes.

Submission:

Color Diagnostics, LLC DBA Color Health
Classification: Uncertain significance for Cardiomyopathy. Last evaluated: 2019-09-10. Review status: criteria provided, single submitter. Criteria: ACMG Guidelines, 2015. Collection method: clinical testing. Allele origin: germline.
Comment: This variant causes a C>T nucleotide substitution at the -5 position of intron 31 of the MYH7 gene. To our knowledge, functional studies have not been performed for this variant. This variant has not been reported in individuals affected with cardiovascular disorders in the literature. This variant has not been identified in the general population by the Genome Aggregation Database (gnomAD). The available evidence is insufficient to determine the role of this variant in disease conclusively. Therefore, this variant is classified as a Variant of Uncertain Significance.